The following is an entry in ClinVar:

NM_020821.3(VPS13C):c.11143G>T (p.Asp3715Tyr)

Gene: VPS13C (vacuolar protein sorting 13 homolog C; minus strand). Cytogenetic location: 15q22.2.
Variant type: single nucleotide variant.
Coding change: c.11143G>T on transcript NM_020821.3 (MANE Select); coding-DNA position 11143, G replaced by T.
Protein change: p.Asp3715Tyr; replaces aspartic acid 3715 with tyrosine.
Molecular consequence: missense variant.
Genome position (GRCh38, 1-based): chr15:61,854,888, C>A on the plus strand (G>T on the coding strand, the complement: VPS13C is on the minus strand). VCF-style: chr15-61854888-C-A. GRCh37 (hg19) VCF-style: chr15-62147087-C-A.
Other names: p.Asp3715Tyr; c.11014G>T, p.Asp3672Tyr (NM_017684.5); short protein forms D3715Y, D3672Y.
Identifiers: ClinVar variation 1515129 (VCV001515129.32), dbSNP rs62007358, ClinGen allele CA7594091.

ClinVar aggregate classification (germline): Conflicting classifications of pathogenicity. Review status: criteria provided, conflicting classifications (1 of 4 stars). 3 submissions from 3 submitters: Uncertain significance (2); Likely benign (1). Last evaluated 2023-02-22.

Allele frequency attached by ClinVar (database versions not stated): 1000 Genomes Project 0.00080; ExAC 0.00084; 1000 Genomes Project 30x 0.00094; gnomAD exomes 0.00096 and 0.00147; gnomAD 0.00100 and 0.00101; ESP Exome Variant Server 0.00108; TOPMed 0.00113.

Submissions (3):

Mayo Clinic Laboratories, Mayo Clinic
Classification: Uncertain significance. Last evaluated: 2023-02-22. Review status: criteria provided, single submitter. Criteria: ACMG Guidelines, 2015. Collection method: clinical testing. Allele origin: germline. Observed: 2 variant alleles.
Comment: BP4

CeGaT Center for Human Genetics Tuebingen
Classification: Likely benign. Last evaluated: 2022-11-01. Review status: criteria provided, single submitter. Criteria: CeGaT Center For Human Genetics Tuebingen Variant Classification Criteria Version 2. Collection method: clinical testing. Allele origin: germline. Affected: yes. Observed: 1 variant allele.
Comment: VPS13C: BP4

Labcorp Genetics (formerly Invitae), Labcorp
Classification: Uncertain significance. Last evaluated: 2022-08-21. Review status: criteria provided, single submitter. Criteria: Invitae Variant Classification Sherloc (09022015). Collection method: clinical testing. Allele origin: germline.
Comment: This sequence change replaces aspartic acid, which is acidic and polar, with tyrosine, which is neutral and polar, at codon 3715 of the VPS13C protein (p.Asp3715Tyr). This variant is present in population databases (rs62007358, gnomAD 0.2%), including at least one homozygous and/or hemizygous individual. This variant has not been reported in the literature in individuals affected with VPS13C-related conditions. ClinVar contains an entry for this variant (Variation ID: 1515129). Algorithms developed to predict the effect of missense changes on protein structure and function are either unavailable or do not agree on the potential impact of this missense change (SIFT: "Deleterious"; PolyPhen-2: "Possibly Damaging"; Align-GVGD: "Class C0"). In summary, the available evidence is currently insufficient to determine the role of this variant in disease. Therefore, it has been classified as a Variant of Uncertain Significance.